The following is an entry in ClinVar:

NM_014283.5(SUCO):c.1483C>G (p.Leu495Val)

Gene: SUCO (SUN domain containing ossification factor; plus strand). Cytogenetic location: 1q24.3.
Variant type: single nucleotide variant.
Coding change: c.1483C>G on transcript NM_014283.5 (MANE Select); coding-DNA position 1483, C replaced by G.
Protein change: p.Leu495Val; replaces leucine 495 with valine.
Molecular consequence: missense variant. On other transcripts: 5 prime UTR variant (1).
Genome position (GRCh38, 1-based): chr1:172,579,252, C>G. VCF-style: chr1-172579252-C-G. GRCh37 (hg19) VCF-style: chr1-172548392-C-G.
Other names: c.1372C>G, p.Leu458Val (NM_001282750.2); c.-47C>G (NM_001282751.2); c.1936C>G, p.Leu646Val (NM_016227.4); c.1483C>G (NM_014283.3); short protein forms L495V, L458V, L646V.
Identifiers: ClinVar variation 1411657 (VCV001411657.9), dbSNP rs1389572718, ClinGen allele CA343739858.

ClinVar aggregate classification (germline): Uncertain significance. Review status: criteria provided, multiple submitters, no conflicts (2 of 4 stars). 2 submissions from 2 submitters: Uncertain significance (2). Last evaluated 2025-12-15.

Allele frequency attached by ClinVar (database versions not stated): gnomAD 0.00001; gnomAD exomes 0.00001 and 0.00003; TOPMed 0.00002.
gnomAD v4.1: 40 of 1,597,348 alleles (0.0025%); highest among the groups gnomAD compares: Non-Finnish European, 0.0033%; no homozygotes.

Submissions (2):

Ambry Genetics
Classification: Uncertain significance. Last evaluated: 2025-12-15. Review status: criteria provided, single submitter. Criteria: Ambry Variant Classification Scheme 2023. Collection method: clinical testing. Allele origin: germline.

Labcorp Genetics (formerly Invitae), Labcorp
Classification: Uncertain significance. Last evaluated: 2022-07-19. Review status: criteria provided, single submitter. Criteria: Invitae Variant Classification Sherloc (09022015). Collection method: clinical testing. Allele origin: germline.
Comment: ClinVar contains an entry for this variant (Variation ID: 1411657). This variant has not been reported in the literature in individuals affected with SUCO-related conditions. This variant is present in population databases (no rsID available, gnomAD 0.003%). This sequence change replaces leucine, which is neutral and non-polar, with valine, which is neutral and non-polar, at codon 495 of the SUCO protein (p.Leu495Val). Algorithms developed to predict the effect of missense changes on protein structure and function (SIFT, PolyPhen-2, Align-GVGD) all suggest that this variant is likely to be tolerated. In summary, the available evidence is currently insufficient to determine the role of this variant in disease. Therefore, it has been classified as a Variant of Uncertain Significance.